The following is an entry in ClinVar:

ClinVar aggregate classification (germline): Uncertain significance (1 of 4 stars; one submission).

Conditions:
Bloom syndrome (BLM). Also called: Bloom-Torre-Machacek syndrome. Identifiers: Orphanet 125, MedGen C0005859, MONDO:0008876, OMIM 210900.

gnomAD v4.1: 1 of 1,612,946 alleles (0.000062%); highest among the groups gnomAD compares: Non-Finnish European, 0.000085%; no homozygotes.

Submission:

Labcorp Genetics (formerly Invitae), Labcorp
Classification: Uncertain significance for Bloom syndrome. Last evaluated: 2024-09-30. Review status: criteria provided, single submitter. Criteria: Invitae Variant Classification Sherloc (09022015). Collection method: clinical testing. Allele origin: germline.
Comment: This sequence change replaces threonine, which is neutral and polar, with isoleucine, which is neutral and non-polar, at codon 283 of the BLM protein (p.Thr283Ile). This variant is not present in population databases (gnomAD no frequency). This variant has not been reported in the literature in individuals affected with BLM-related conditions. Invitae Evidence Modeling of protein sequence and biophysical properties (such as structural, functional, and spatial information, amino acid conservation, physicochemical variation, residue mobility, and thermodynamic stability) indicates that this missense variant is not expected to disrupt BLM protein function with a negative predictive value of 80%. In summary, the available evidence is currently insufficient to determine the role of this variant in disease. Therefore, it has been classified as a Variant of Uncertain Significance.

NM_000057.4(BLM):c.848C>T (p.Thr283Ile)

Gene: BLM (BLM RecQ like helicase; plus strand). Cytogenetic location: 15q26.1.
Variant type: single nucleotide variant.
Coding change: c.848C>T on transcript NM_000057.4 (MANE Select); coding-DNA position 848, C replaced by T.
Protein change: p.Thr283Ile; replaces threonine 283 with isoleucine.
Molecular consequence: missense variant. On other transcripts: 5 prime UTR variant (1).
Genome position (GRCh38, 1-based): chr15:90,751,835, C>T. VCF-style: chr15-90751835-C-T. GRCh37 (hg19) VCF-style: chr15-91295065-C-T.
Other names: c.848C>T, p.Thr283Ile (NM_001287246.2, NM_001287247.2); c.-444C>T (NM_001287248.2); short protein forms T283I.
Identifiers: ClinVar variation 3666581 (VCV003666581.2).